The following is an entry in ClinVar:

NM_024496.4(IRF2BPL):c.1332C>G (p.Asp444Glu)

Gene: IRF2BPL (interferon regulatory factor 2 binding protein like; minus strand). Cytogenetic location: 14q24.3.
Variant type: single nucleotide variant.
Coding change: c.1332C>G on transcript NM_024496.4 (MANE Select); coding-DNA position 1332, C replaced by G.
Protein change: p.Asp444Glu; replaces aspartic acid 444 with glutamic acid.
Molecular consequence: missense variant.
Genome position (GRCh38, 1-based): chr14:77,026,461, G>C on the plus strand (C>G on the coding strand, the complement: IRF2BPL is on the minus strand). VCF-style: chr14-77026461-G-C. GRCh37 (hg19) VCF-style: chr14-77492804-G-C.
Other names: short protein forms D444E.
Identifiers: ClinVar variation 3376211 (VCV003376211.2).

ClinVar aggregate classification (germline): Uncertain significance. Review status: criteria provided, multiple submitters, no conflicts (2 of 4 stars). 2 submissions from 2 submitters: Uncertain significance (2). Last evaluated 2024-10-23.

Conditions:
Neurodevelopmental disorder with regression, abnormal movements, loss of speech, and seizures. Identifiers: Orphanet 597623, MedGen C4748127, MONDO:0060759, OMIM 618088.

Submissions (2):

Blueprint Genetics
Classification: Uncertain significance. Last evaluated: 2024-10-23. Review status: criteria provided, single submitter. Criteria: ACMG Guidelines, 2015. Collection method: clinical testing. Allele origin: germline.

Pittsburgh Clinical Genomics Laboratory, University of Pittsburgh Medical Center
Classification: Uncertain significance for Neurodevelopmental disorder with regression, abnormal movements, loss of speech, and seizures. Last evaluated: 2022-09-03. Review status: criteria provided, single submitter. Criteria: ACMG Guidelines, 2015. Collection method: clinical testing. Allele origin: germline. Inheritance: Autosomal dominant inheritance. Affected: yes.
Comment: This sequence variant is a single nucleotide substitution (C>G) at coding nucleotide 1332 of the IRF2BPL gene which results in an aspartic acid to glutamic acid amino acid change at residue 444 in the IRF2BPL protein. This is a novel variant which has not been reported in clinical genetics databases or observed in the medical literature in individuals with IRF2BPL-related disease, to our knowledge. This variant is absent from the gnomAD control population dataset (0/250408 alleles). Multiple bioinformatic tools are inconsistent in their predictions if this variant is likely to be damaging or tolerated, and aspartic acid is highly conserved at this protein position in vertebrates. Functiol studies testing the effects of this variant have not been performed, to our knowledge. At this time, there is insufficient evidence to determine if this variant is pathogenic or benign. Therefore, we consider it to be a variant of uncertain significance. ACMG Criteria: PM2